The following is an entry in ClinVar:

NM_001040108.2(MLH3):c.1891G>A (p.Val631Ile)

Gene: MLH3 (mutL homolog 3; minus strand). Cytogenetic location: 14q24.3.
Variant type: single nucleotide variant.
Coding change: c.1891G>A on transcript NM_001040108.2 (MANE Select); coding-DNA position 1891, G replaced by A.
Protein change: p.Val631Ile; replaces valine 631 with isoleucine.
Molecular consequence: missense variant.
Genome position (GRCh38, 1-based): chr14:75,047,765, C>T on the plus strand (G>A on the coding strand, the complement: MLH3 is on the minus strand). VCF-style: chr14-75047765-C-T. GRCh37 (hg19) VCF-style: chr14-75514468-C-T.
Other names: c.1891G>A, p.Val631Ile (NM_014381.3); short protein forms V631I.
Identifiers: ClinVar variation 3295133 (VCV003295133.1).

ClinVar aggregate classification (germline): Uncertain significance (1 of 4 stars; one submission).

Submission:

Ambry Genetics
Classification: Uncertain significance. Last evaluated: 2024-05-07. Review status: criteria provided, single submitter. Criteria: Ambry Variant Classification Scheme 2023. Collection method: clinical testing. Allele origin: germline.
Comment: The p.V631I variant (also known as c.1891G>A), located in coding exon 1 of the MLH3 gene, results from a G to A substitution at nucleotide position 1891. The valine at codon 631 is replaced by isoleucine, an amino acid with highly similar properties. This amino acid position is conserved. In addition, this alteration is predicted to be tolerated by in silico analysis. Based on the available evidence, the clinical significance of this variant remains unclear.